The following is an entry in ClinVar:

ClinVar aggregate classification (germline): Uncertain significance (1 of 4 stars; one submission).

gnomAD v4.1: 1 of 1,613,874 alleles (0.000062%); highest among the groups gnomAD compares: Non-Finnish European, 0.000085%; no homozygotes.

Submission:

Women's Health and Genetics/Laboratory Corporation of America, LabCorp
Classification: Uncertain significance. Last evaluated: 2024-09-26. Review status: criteria provided, single submitter. Criteria: LabCorp Variant Classification Summary - May 2015. Collection method: clinical testing. Allele origin: germline.
Comment: Variant summary: POLG c.2884G>C (p.Ala962Pro) results in a non-conservative amino acid change located in the DNA polymerase gamma, palm domain (IPR047580) of the encoded protein sequence. Five of five in-silico tools predict a damaging effect of the variant on protein function. The variant was absent in 251222 control chromosomes. The available data on variant occurrences in the general population are insufficient to allow any conclusion about variant significance. To our knowledge, no occurrence of c.2884G>C in individuals affected with Mitochondrial DNA Depletion Syndrome - POLG Related and no experimental evidence demonstrating its impact on protein function have been reported. No submitters have cited clinical-significance assessments for this variant to ClinVar. Based on the evidence outlined above, the variant was classified as uncertain significance.

NM_002693.3(POLG):c.2884G>C (p.Ala962Pro)

Gene: POLG (DNA polymerase gamma, catalytic subunit; minus strand). Cytogenetic location: 15q26.1.
Variant type: single nucleotide variant.
Coding change: c.2884G>C on transcript NM_002693.3 (MANE Select); coding-DNA position 2884, G replaced by C.
Protein change: p.Ala962Pro; replaces alanine 962 with proline.
Molecular consequence: missense variant.
Genome position (GRCh38, 1-based): chr15:89,320,863, C>G on the plus strand (G>C on the coding strand, the complement: POLG is on the minus strand). VCF-style: chr15-89320863-C-G. GRCh37 (hg19) VCF-style: chr15-89864094-C-G.
Other names: c.2884G>C, p.Ala962Pro (NM_001126131.2); short protein forms A962P.
Identifiers: ClinVar variation 3375190 (VCV003375190.1).